The following is an entry in ClinVar:

NM_000398.7(CYB5R3):c.875G>A (p.Gly292Asp)

Gene: CYB5R3 (cytochrome b5 reductase 3; minus strand). Cytogenetic location: 22q13.2.
Variant type: single nucleotide variant.
Coding change: c.875G>A on transcript NM_000398.7 (MANE Select); coding-DNA position 875, G replaced by A.
Protein change: p.Gly292Asp; replaces glycine 292 with aspartic acid.
Molecular consequence: missense variant.
Genome position (GRCh38, 1-based): chr22:42,619,804, C>T on the plus strand (G>A on the coding strand, the complement: CYB5R3 is on the minus strand). VCF-style: chr22-42619804-C-T. GRCh37 (hg19) VCF-style: chr22-43015810-C-T.
Other names: c.875G>A (NM_000398.6); c.806G>A, p.Gly269Asp (NM_001129819.2, NM_001171661.1, NM_007326.4); c.974G>A, p.Gly325Asp (NM_001171660.2); short protein forms G292D, G325D, G269D.
Identifiers: ClinVar variation 250 (VCV000000250.20), dbSNP rs121965016, ClinGen allele CA114089.

ClinVar aggregate classification (germline): Pathogenic/Likely pathogenic. Review status: criteria provided, multiple submitters, no conflicts (2 of 4 stars). 5 submissions from 5 submitters: Pathogenic (1); Likely pathogenic (3). 1 of the submissions does not count toward it. Last evaluated 2025-09-09.

Conditions:
Deficiency of cytochrome-b5 reductase. Also called: METHEMOGLOBINEMIA, CONGENITAL, AUTOSOMAL RECESSIVE; NADH-DEPENDENT METHEMOGLOBIN REDUCTASE DEFICIENCY. Identifiers: Orphanet 621, MedGen C0268193, MONDO:0009606, OMIM 250800.
METHEMOGLOBINEMIA, TYPE I. Identifiers: MedGen C2749559, OMIM 250800.

Allele frequency attached by ClinVar (database versions not stated): ExAC below 0.00001; gnomAD 0.00002; TOPMed 0.00002; gnomAD exomes 0.00003 and 0.00004.
gnomAD v4.1: 64 of 1,596,054 alleles (0.004%); highest among the groups gnomAD compares: Non-Finnish European, 0.0052%; no homozygotes.

Submissions (5):

Mayo Clinic Laboratories, Mayo Clinic
Classification: Likely pathogenic. Last evaluated: 2025-09-09. Review status: criteria provided, single submitter. Criteria: ACMG Guidelines, 2015. Collection method: clinical testing. Allele origin: germline. Observed: 2 variant alleles.
Comment: PP3_moderate, PM2_supporting, PM3, PS3_moderate

CeGaT Center for Human Genetics Tuebingen
Classification: Likely pathogenic. Last evaluated: 2025-09-01. Review status: criteria provided, single submitter. Criteria: CeGaT Center For Human Genetics Tuebingen Variant Classification Criteria Version 2. Collection method: clinical testing. Allele origin: germline. Affected: yes. Observed: 2 variant alleles.
Comment: CYB5R3: PM3:Strong, PM2, PS3:Supporting

Center for Genomic Medicine, Rigshospitalet, Copenhagen University Hospital
Classification: Pathogenic. Last evaluated: 2025-03-04. Review status: criteria provided, single submitter. Criteria: ACMG Guidelines, 2015. Collection method: clinical testing. Allele origin: germline.

Women's Health and Genetics/Laboratory Corporation of America, LabCorp
Classification: Likely pathogenic for Deficiency of cytochrome-b5 reductase. Last evaluated: 2023-08-01. Review status: criteria provided, single submitter. Criteria: LabCorp Variant Classification Summary - May 2015. Collection method: clinical testing. Allele origin: germline.
Comment: Variant summary: CYB5R3 c.875G>A (p.Gly292Asp) results in a non-conservative amino acid change in the encoded protein sequence. Five of five in-silico tools predict a damaging effect of the variant on protein function. The variant allele was found at a frequency of 3.2e-05 in 218684 control chromosomes (gnomAD). c.875G>A has been reported in the literature in individuals affected with methemoglobinemia (Percy_2002, 2005, 2006). These data indicate that the variant is likely to be associated with disease. At least one publication reports experimental evidence evaluating an impact on protein function, finding that the variant protein results in ~58% of normal enzymatic activity. The following publications have been ascertained in the context of this evaluation (PMID: 12393396, 15953014, 16469290). One submitter has cited a clinical-significance assessment for this variant to ClinVar after 2014 and has classified the variant as pathogenic. Based on the evidence outlined above, the variant was classified as likely pathogenic.

OMIM
Classification: Pathogenic for METHEMOGLOBINEMIA, TYPE I. Last evaluated: 2008-05-01. Review status: no assertion criteria provided. Collection method: literature only. Allele origin: germline. Not counted in ClinVar's aggregate classification.

Literature cited by the submitters: PubMed 12393396 (cited by 4 submitters); PubMed 15953014 (cited by 3 submitters); PubMed 18318771 (cited by Center for Genomic Medicine, Rigshospitalet, Copenhagen University Hospital and OMIM); PubMed 15111120 (cited by Center for Genomic Medicine, Rigshospitalet, Copenhagen University Hospital); PubMed 16469290 (cited by Women's Health and Genetics/Laboratory Corporation of America, LabCorp); PubMed 20784876 (cited by OMIM); PubMed 16748235 (cited by OMIM).